The following is an entry in ClinVar:

ClinVar aggregate classification (germline): Uncertain significance (1 of 4 stars; one submission).

Conditions:
Cardiovascular phenotype. Identifiers: MedGen CN230736.

Submission:

Ambry Genetics
Classification: Uncertain significance for Cardiovascular phenotype. Last evaluated: 2025-09-17. Review status: criteria provided, single submitter. Criteria: Ambry Variant Classification Scheme 2023. Collection method: clinical testing. Allele origin: germline.
Comment: The c.497T>C (p.F166S) alteration is located in exon 4 (coding exon 4) of the CACNA1C gene. This alteration results from a T to C substitution at nucleotide position 497, causing the phenylalanine (F) at amino acid position 166 to be replaced by a serine (S). This variant was not reported in population-based cohorts in the Genome Aggregation Database (gnomAD). Other variant(s) at the same codon, c.496T>C (p.F166L), have been identified in individual(s) with features consistent with CACNA1C-related neurodevelopmental disorder (Rodan, 2021). This amino acid position is highly conserved in available vertebrate species. This missense alteration is located in a region that has a low rate of benign missense variation (Lek, 2016; Firth, 2009). This alteration is predicted to be deleterious by in silico analysis. Based on insufficient or conflicting evidence, the clinical significance of this alteration remains unclear.

Literature cited by the submitters: PubMed 34163037.

NM_000719.7(CACNA1C):c.497T>C (p.Phe166Ser)

Gene: CACNA1C (calcium voltage-gated channel subunit alpha1 C; plus strand). Cytogenetic location: 12p13.33.
Variant type: single nucleotide variant.
Coding change: c.497T>C on transcript NM_000719.7 (MANE Select); coding-DNA position 497, T replaced by C.
Protein change: p.Phe166Ser; replaces phenylalanine 166 with serine.
Molecular consequence: missense variant.
Genome position (GRCh38, 1-based): chr12:2,448,995, T>C. VCF-style: chr12-2448995-T-C. GRCh37 (hg19) VCF-style: chr12-2558161-T-C.
Other names: c.497T>C, p.Phe166Ser (NM_001129827.2, NM_001129829.2, NM_001129830.3 and 19 more transcripts); short protein forms F166S.
Identifiers: ClinVar variation 4613769 (VCV004613769.1).